The following is an entry in ClinVar:

NM_005902.4(SMAD3):c.828T>C (p.Asn276=)

Gene: SMAD3 (SMAD family member 3; plus strand). Cytogenetic location: 15q22.33.
Variant type: single nucleotide variant.
Coding change: c.828T>C on transcript NM_005902.4 (MANE Select); coding-DNA position 828, T replaced by C.
Protein change: p.Asn276=; no amino-acid change (asparagine 276 retained).
Molecular consequence: synonymous variant.
Genome position (GRCh38, 1-based): chr15:67,181,410, T>C. VCF-style: chr15-67181410-T-C. GRCh37 (hg19) VCF-style: chr15-67473748-T-C.
Other names: c.513T>C, p.Asn171= (NM_001145102.2); c.696T>C, p.Asn232= (NM_001145103.2); c.243T>C, p.Asn81= (NM_001145104.2).
Identifiers: ClinVar variation 926926 (VCV000926926.9), dbSNP rs1375211503, ClinGen allele CA490915571.

ClinVar aggregate classification (germline): Likely benign. Review status: criteria provided, multiple submitters, no conflicts (2 of 4 stars). 5 submissions from 5 submitters: Likely benign (5). Last evaluated 2026-08-16.

Conditions:
Familial thoracic aortic aneurysm and aortic dissection (TAAD). Also called: Thoracic aortic aneurysms and dissections. Identifiers: Orphanet 91387, MedGen C4707243, MONDO:0019625.
Aneurysm-osteoarthritis syndrome. Also called: SMAD3-Related Loeys-Dietz Syndrome; Loeys-Dietz syndrome, type 1C; ANEURYSMS-OSTEOARTHRITIS SYNDROME; LOEYS-DIETZ SYNDROME WITH OSTEOARTHRITIS. Identifiers: Orphanet 284984, MedGen C3151087, MONDO:0013426, OMIM 613795.

Allele frequency attached by ClinVar (database versions not stated): gnomAD exomes 0.00001.
gnomAD v4.1: 9 of 1,614,060 alleles (0.00056%); highest among the groups gnomAD compares: Admixed American, 0.005%; no homozygotes.

Submissions (5):

Ambry Genetics
Classification: Likely benign for Familial thoracic aortic aneurysm and aortic dissection. Last evaluated: 2026-08-16. Review status: criteria provided, single submitter. Criteria: Ambry Variant Classification Scheme 2023. Collection method: clinical testing. Allele origin: germline.

Labcorp Genetics (formerly Invitae), Labcorp
Classification: Likely benign for Familial thoracic aortic aneurysm and aortic dissection. Last evaluated: 2026-01-26. Review status: criteria provided, single submitter. Criteria: Invitae Variant Classification Sherloc (09022015). Collection method: clinical testing. Allele origin: germline.

All of Us Research Program, National Institutes of Health
Classification: Likely benign for Aneurysm-osteoarthritis syndrome. Last evaluated: 2023-09-05. Review status: criteria provided, single submitter. Criteria: ACMG Guidelines, 2015. Collection method: clinical testing. Allele origin: germline. Inheritance: Autosomal dominant inheritance. Observed: 2 variant alleles, 2 heterozygotes.
Comment: This study involves interpretation of variants in research participants for the purpose of population health screening. Participant phenotype was not available at the time of variant classification. Additional details can be found in publication PMID: 35346344, PMCID: PMC8962531

Blueprint Genetics
Classification: Likely benign. Last evaluated: 2022-04-07. Review status: criteria provided, single submitter. Criteria: ACMG Guidelines, 2015. Collection method: clinical testing. Allele origin: germline.

Color Diagnostics, LLC DBA Color Health
Classification: Likely benign for Familial thoracic aortic aneurysm and aortic dissection. Last evaluated: 2019-09-16. Review status: criteria provided, single submitter. Criteria: ACMG Guidelines, 2015. Collection method: clinical testing. Allele origin: germline.